The following is an entry in ClinVar:

ClinVar aggregate classification (germline): Likely pathogenic. Review status: criteria provided, multiple submitters, no conflicts (2 of 4 stars). 2 submissions from 2 submitters: Likely pathogenic (2). Last evaluated 2023-02-23.

Conditions:
GM3 synthase deficiency (SPDRS). Also called: SALT AND PEPPER MENTAL RETARDATION SYNDROME; SALT AND PEPPER DEVELOPMENTAL REGRESSION SYNDROME; AMISH INFANTILE EPILEPSY SYNDROME. Identifiers: Orphanet 171714, Orphanet 370933, MedGen C1836824, MONDO:0018274, OMIM 609056.

Allele frequency attached by ClinVar (database versions not stated): TOPMed 0.00004; gnomAD 0.00005; ExAC 0.00009; 1000 Genomes Project 0.00040; 1000 Genomes Project 30x 0.00062.
gnomAD v4.1: 32 of 780,938 alleles (0.0041%); highest among the groups gnomAD compares: East Asian, 0.068%; 1 homozygote.

Submissions (3):

3billion
Classification: Likely pathogenic for GM3 synthase deficiency. Last evaluated: 2023-02-23. Review status: criteria provided, single submitter. Criteria: ACMG Guidelines, 2015. Collection method: clinical testing. Allele origin: unknown. Affected: yes.
Comment: The variant is observed at an extremely low frequency in the gnomAD v2.1.1 dataset (total allele frequency: 0.011%). This variant was predicted to alter splicing and result in a loss or disruption of normal protein function. Multiple pathogenic loss-of-function variants are reported downstream of the variant. Therefore, this variant is classified as Likely pathogenic according to the recommendation of ACMG/AMP guideline.

Juno Genomics, Hangzhou Juno Genomics, Inc
Classification: Likely pathogenic for GM3 synthase deficiency. Review status: criteria provided, single submitter. Criteria: ACMG Guidelines, 2015. Collection method: clinical testing. Allele origin: germline.
Comment: Absent from controls (or at extremely low frequency if recessive) in Genome Aggregation Database.;Null variant in a gene where loss of function (LOF) is a known mechanism of disease.

Dr. Peter K. Rogan Lab, Western University
No classification provided (evidence only). Condition: Gastric cancer. Review status: no classification provided. Collection method: in vitro. Allele origin: not applicable. Functional consequence: retained intron. Not counted in ClinVar's aggregate classification.

NM_003896.4(ST3GAL5):c.83-4119G>A

Gene: ST3GAL5 (ST3 beta-galactoside alpha-2,3-sialyltransferase 5; minus strand). Cytogenetic location: 2p11.2.
Variant type: single nucleotide variant.
Coding change: c.83-4119G>A on transcript NM_003896.4 (MANE Select); 4119 bases into the intron before coding-DNA position 83, G replaced by A.
Molecular consequence: intron variant. On other transcripts: splice donor variant (1).
Genome position (GRCh38, 1-based): chr2:85,867,604, C>T on the plus strand (G>A on the coding strand, the complement: ST3GAL5 is on the minus strand). VCF-style: chr2-85867604-C-T. GRCh37 (hg19) VCF-style: chr2-86094727-C-T.
Other names: NC_000002.11:g.86094727C>T; c.-479-4119G>A (NM_001354226.2); c.-919-4119G>A (NM_001354233.2); c.-542-4119G>A (NM_001354224.2); c.-3+2468G>A (NM_001354227.2); c.-480+241G>A (NM_001354223.2); c.-2-4119G>A (NM_001354229.2, NM_001354238.1); c.13+1G>A (NM_001042437.2); and 2 more.
Identifiers: ClinVar variation 2444154 (VCV002444154.4), dbSNP rs549326241, ClinGen allele CA1745190.
Genomic context (GRCh38, chr2:85,867,604, plus strand): 5'-AGGCCAAGGAAGAGGCTGACGAATCCAGTTTCTCAGAAAGAAACGTGTGATGGGGACTTA[C>T]GAACAGAAGCCATGTCCTGGGTGGCGGCGAGACAGGATAATGGTTGCCCATGCTATTACT-3'